The following is an entry in ClinVar:

NM_001134407.3(GRIN2A):c.1475_1478del (p.Val492fs)

Gene: GRIN2A (glutamate ionotropic receptor NMDA type subunit 2A; minus strand). Cytogenetic location: 16p13.2.
Variant type: Microsatellite.
Coding change: c.1475_1478del on transcript NM_001134407.3 (MANE Select); coding-DNA positions 1475 to 1478, 4 bases deleted (TGTG; older notation c.1475_1478delTGTG).
Protein change: p.Val492fs; shifts the reading frame from valine 492.
Molecular consequence: frameshift variant.
Genome position (GRCh38, 1-based): chr16:9,840,955-9,840,958, CACA deleted on the plus strand (TGTG on the coding strand, the reverse complement: GRIN2A is on the minus strand); deleting any 4 consecutive bases within chr16:9,840,955-9,840,960 gives the same sequence; the c. name uses the placement nearest the transcript's 3' end. VCF-style (leftmost placement, unchanged base first): chr16-9840954-CCACA-C. GRCh37 (hg19) VCF-style: chr16-9934811-CCACA-C.
Other names: c.1475_1478del, p.Val492fs (NM_000833.5, NM_001134408.2); short protein forms V492fs.
Identifiers: ClinVar variation 2050392 (VCV002050392.4), dbSNP rs2542834555, ClinGen allele CA2580613422.

ClinVar aggregate classification (germline): Pathogenic (1 of 4 stars; one submission).

Conditions:
Landau-Kleffner syndrome (FESD). Also called: EPILEPSY, FOCAL, WITH SPEECH DISORDER AND WITH OR WITHOUT MENTAL RETARDATION; APHASIA, ACQUIRED, WITH EPILEPSY. Identifiers: Orphanet 1945, Orphanet 725, Orphanet 98818, MedGen C0282512, MONDO:0009509, OMIM 245570.

Submission:

Labcorp Genetics (formerly Invitae), Labcorp
Classification: Pathogenic for Landau-Kleffner syndrome. Last evaluated: 2021-12-20. Review status: criteria provided, single submitter. Criteria: Invitae Variant Classification Sherloc (09022015). Collection method: clinical testing. Allele origin: germline.
Comment: For these reasons, this variant has been classified as Pathogenic. This variant has not been reported in the literature in individuals affected with GRIN2A-related conditions. This variant is not present in population databases (gnomAD no frequency). This sequence change creates a premature translational stop signal (p.Val492Glyfs*4) in the GRIN2A gene. It is expected to result in an absent or disrupted protein product. Loss-of-function variants in GRIN2A are known to be pathogenic (PMID: 23933819, 23933820).

Literature cited by the submitters: PubMed 23933819; PubMed 23933820.